The following is an entry in ClinVar:

ClinVar aggregate classification (germline): Uncertain significance (1 of 4 stars; one submission).

Conditions:
Neurofibromatosis, type 1 (NF1). Also called: VON RECKLINGHAUSEN DISEASE; NEUROFIBROMATOSIS, TYPE I, SOMATIC; Peripheral type neurofibromatosis; Neurofibromatosis, type I. Identifiers: Orphanet 636, MedGen C0027831, MONDO:0018975, OMIM 162200. Disease mechanism: loss of function.

Submission:

Labcorp Genetics (formerly Invitae), Labcorp
Classification: Uncertain significance for Neurofibromatosis, type 1. Last evaluated: 2024-08-12. Review status: criteria provided, single submitter. Criteria: Invitae Variant Classification Sherloc (09022015). Collection method: clinical testing. Allele origin: germline.
Comment: This sequence change replaces alanine, which is neutral and non-polar, with glycine, which is neutral and non-polar, at codon 2253 of the NF1 protein (p.Ala2253Gly). This variant is not present in population databases (gnomAD no frequency). This variant has not been reported in the literature in individuals affected with NF1-related conditions. ClinVar contains an entry for this variant (Variation ID: 1044696). An algorithm developed to predict the effect of missense changes on protein structure and function outputs the following: PolyPhen-2: "Benign". The glycine amino acid residue is found in multiple mammalian species, which suggests that this missense change does not adversely affect protein function. In summary, the available evidence is currently insufficient to determine the role of this variant in disease. Therefore, it has been classified as a Variant of Uncertain Significance.

NM_001042492.3(NF1):c.6821C>G (p.Ala2274Gly)

Gene: NF1 (neurofibromin 1; plus strand). Cytogenetic location: 17q11.2.
Variant type: single nucleotide variant.
Coding change: c.6821C>G on transcript NM_001042492.3 (MANE Select); coding-DNA position 6821, C replaced by G.
Protein change: p.Ala2274Gly; replaces alanine 2274 with glycine.
Molecular consequence: missense variant.
Genome position (GRCh38, 1-based): chr17:31,338,705, C>G. VCF-style: chr17-31338705-C-G. GRCh37 (hg19) VCF-style: chr17-29665723-C-G.
Other names: c.6758C>G, p.Ala2253Gly (NM_000267.4); short protein forms A2253G, A2274G.
Identifiers: ClinVar variation 1044696 (VCV001044696.5), dbSNP rs2069742248, ClinGen allele CA399014241.